The following is an entry in ClinVar:

NM_000451.4(SHOX):c.*16_*26dup

Gene: SHOX (SHOX homeobox; plus strand). Cytogenetic location: Xp22.33.
Variant type: Duplication.
Coding change: c.*16_*26dup on transcript NM_000451.4 (MANE Select); 16 bases downstream of the stop codon through 26 bases downstream of the stop codon, 11 bases duplicated (CCCGCGCGCCC).
Molecular consequence: 3 prime UTR variant. On other transcripts: intron variant (1).
Genome position (GRCh38, 1-based): chrX:644,652-644,662, CCCGCGCGCCC duplicated; duplicating any 11 consecutive bases within chrX:644,648-644,662 gives the same sequence; the c. name uses the placement nearest the transcript's 3' end. VCF-style (leftmost placement, unchanged base first): chrX-644647-A-AGCCCCCCGCGC. GRCh37 (hg19) VCF-style: chrX-605382-A-AGCCCCCCGCGC.
Other names: c.633+3565_633+3575dup (NM_006883.2); c.*16_*26dup (NM_000451.3); c.*16_*26dupCCCGCGCGCCC (NM_000451.3).
Identifiers: ClinVar variation 256191 (VCV000256191.3), dbSNP rs886038300, ClinGen allele CA325624715.
Genomic context (GRCh38, chrX:644,647, plus strand): 5'-CCGACCTGCGGCTCAAGGCGCGGAAGCACGCGGAGGCCCTGGGGCTCTGACCCGCCGCGC[A>AGCCCCCCGCGC]GCCCCCCGCGCGCCCGGACTCCCGGGCTCCGCGCACCCCGCCTGCACCGCGCGTCCTGCA-3'

ClinVar aggregate classification (germline): Benign/Likely benign. Review status: criteria provided, multiple submitters, no conflicts (2 of 4 stars). 2 submissions from 2 submitters: Benign (1); Likely benign (1). Last evaluated 2025-08-08.

Submissions (2):

Athena Diagnostics
Classification: Benign. Last evaluated: 2025-08-08. Review status: criteria provided, single submitter. Criteria: Athena Diagnostics Criteria. Collection method: clinical testing. Allele origin: unknown.
Comment: The frequency of this variant in the general population is higher than would generally be expected for pathogenic variants in this gene.

PreventionGenetics, part of Exact Sciences
Classification: Likely benign. Review status: criteria provided, single submitter. Criteria: ACMG Guidelines, 2015. Collection method: clinical testing. Allele origin: germline.